The following is an entry in ClinVar:

ClinVar aggregate classification (germline): Uncertain significance (1 of 4 stars; one submission).

Conditions:
Cardiovascular phenotype. Identifiers: MedGen CN230736.

Submission:

Ambry Genetics
Classification: Uncertain significance for Cardiovascular phenotype. Last evaluated: 2019-04-18. Review status: criteria provided, single submitter. Criteria: Ambry Variant Classification Scheme 2023. Collection method: clinical testing. Allele origin: germline.
Comment: The p.Q772H variant (also known as c.2316A>T), located in coding exon 8 of the AKAP9 gene, results from an A to T substitution at nucleotide position 2316. The glutamine at codon 772 is replaced by histidine, an amino acid with highly similar properties. This amino acid position is not well conserved in available vertebrate species, and histidine is the reference amino acid in other vertebrate species. In addition, this alteration is predicted to be tolerated by in silico analysis. Since supporting evidence is limited at this time, the clinical significance of this alteration remains unclear.

NM_005751.5(AKAP9):c.2316A>T (p.Gln772His)

Gene: AKAP9 (A-kinase anchoring protein 9; plus strand). Cytogenetic location: 7q21.2.
Variant type: single nucleotide variant.
Coding change: c.2316A>T on transcript NM_005751.5 (MANE Select); coding-DNA position 2316, A replaced by T.
Protein change: p.Gln772His; replaces glutamine 772 with histidine.
Molecular consequence: missense variant.
Genome position (GRCh38, 1-based): chr7:92,002,233, A>T. VCF-style: chr7-92002233-A-T. GRCh37 (hg19) VCF-style: chr7-91631547-A-T.
Other names: c.2316A>T, p.Gln772His (NM_147185.3); short protein forms Q772H.
Identifiers: ClinVar variation 1789491 (VCV001789491.2), dbSNP rs2484693207, ClinGen allele CA368123838.